The following is an entry in ClinVar:

ClinVar aggregate classification (germline): Uncertain significance. Review status: criteria provided, single submitter (1 of 4 stars). 2 submissions from 2 submitters: Uncertain significance (1). 1 of the submissions does not count toward it. Last evaluated 2021-07-13.

Conditions:
PLXNA3-related disorder. Also called: PLXNA3-related condition.

Allele frequency attached by ClinVar (database versions not stated): gnomAD exomes 0.00019; TOPMed 0.00024; gnomAD 0.00025; ExAC 0.00030.
gnomAD v4.1: 239 of 1,208,904 alleles (0.02%); highest among the groups gnomAD compares: Non-Finnish European, 0.017%; no homozygotes.

Submissions (2):

Ambry Genetics
Classification: Uncertain significance. Last evaluated: 2021-07-13. Review status: criteria provided, single submitter. Criteria: Ambry Variant Classification Scheme 2023. Collection method: clinical testing. Allele origin: germline.

PreventionGenetics, part of Exact Sciences
Classification: Likely benign for PLXNA3-related condition. Last evaluated: 2022-05-12. Review status: no assertion criteria provided. Collection method: clinical testing. Allele origin: germline. Not counted in ClinVar's aggregate classification.
Comment: This variant is classified as likely benign based on ACMG/AMP sequence variant interpretation guidelines (Richards et al. 2015 PMID: 25741868, with internal and published modifications).

NM_017514.5(PLXNA3):c.1634G>A (p.Arg545Gln)

Gene: PLXNA3 (plexin A3; plus strand). Cytogenetic location: Xq28.
Variant type: single nucleotide variant.
Coding change: c.1634G>A on transcript NM_017514.5 (MANE Select); coding-DNA position 1634, G replaced by A.
Protein change: p.Arg545Gln; replaces arginine 545 with glutamine.
Molecular consequence: missense variant.
Genome position (GRCh38, 1-based): chrX:154,464,037, G>A. VCF-style: chrX-154464037-G-A. GRCh37 (hg19) VCF-style: chrX-153692380-G-A.
Other names: c.1634G>A (NM_017514.3); short protein forms R545Q.
Identifiers: ClinVar variation 3045415 (VCV003045415.3), dbSNP rs201411324, ClinGen allele CA10564111.